The following is an entry in ClinVar:

NM_001382430.1(AKT1):c.1267C>T (p.Pro423Ser)

Gene: AKT1 (AKT serine/threonine kinase 1; minus strand). Cytogenetic location: 14q32.33.
Variant type: single nucleotide variant.
Coding change: c.1267C>T on transcript NM_001382430.1 (MANE Select); coding-DNA position 1267, C replaced by T.
Protein change: p.Pro423Ser; replaces proline 423 with serine.
Molecular consequence: missense variant.
Genome position (GRCh38, 1-based): chr14:104,770,841, G>A on the plus strand (C>T on the coding strand, the complement: AKT1 is on the minus strand). VCF-style: chr14-104770841-G-A. GRCh37 (hg19) VCF-style: chr14-105237178-G-A.
Other names: c.1267C>T, p.Pro423Ser (NM_001014431.2, NM_001014432.2, NM_001382431.1 and 3 more transcripts); short protein forms P423S.
Identifiers: ClinVar variation 1764453 (VCV001764453.7), dbSNP rs2542103734, ClinGen allele CA391214791.
Genomic context (GRCh38, chr14:104,770,841, plus strand): 5'-TGAACTCCTCATCAAAATACCTGGTGTCAGTCTCCGACGTGACCTGGGGCTTGAAGGGTG[G>A]GCTGAGCTGCAGAGGTGGGCAGACGGGACAGTCATGAGCTTCGCTCCCCACTCCCAGCAC-3'
Protein context (NP_001369359.1, residues 413-433): WQHVYEKKLS[Pro423Ser]PFKPQVTSET

ClinVar aggregate classification (germline): Uncertain significance. Review status: criteria provided, multiple submitters, no conflicts (2 of 4 stars). 2 submissions from 2 submitters: Uncertain significance (2). Last evaluated 2022-06-07.

Conditions:
Inborn genetic diseases. Identifiers: MedGen C0950123, MeSH D030342.
Cowden syndrome 6 (CWS6). Identifiers: Orphanet 201, MedGen C3554519, MONDO:0014048, OMIM 615109.

Allele frequency attached by ClinVar (database versions not stated): gnomAD exomes below 0.00001.
gnomAD v4.1: 1 of 1,614,012 alleles (0.000062%); highest among the groups gnomAD compares: Non-Finnish European, 0.000085%; no homozygotes.

Submissions (2):

Labcorp Genetics (formerly Invitae), Labcorp
Classification: Uncertain significance for Cowden syndrome 6. Last evaluated: 2022-06-07. Review status: criteria provided, single submitter. Criteria: Invitae Variant Classification Sherloc (09022015). Collection method: clinical testing. Allele origin: germline.
Comment: This variant has not been reported in the literature in individuals affected with AKT1-related conditions. Algorithms developed to predict the effect of missense changes on protein structure and function (SIFT, PolyPhen-2, Align-GVGD) all suggest that this variant is likely to be disruptive. In summary, the available evidence is currently insufficient to determine the role of this variant in disease. Therefore, it has been classified as a Variant of Uncertain Significance. This variant is not present in population databases (gnomAD no frequency). This sequence change replaces proline, which is neutral and non-polar, with serine, which is neutral and polar, at codon 423 of the AKT1 protein (p.Pro423Ser).

Ambry Genetics
Classification: Uncertain significance for Inborn genetic diseases. Last evaluated: 2021-10-21. Review status: criteria provided, single submitter. Criteria: Ambry Variant Classification Scheme 2023. Collection method: clinical testing. Allele origin: germline.
Comment: The p.P423S variant (also known as c.1267C>T), located in coding exon 12 of the AKT1 gene, results from a C to T substitution at nucleotide position 1267. The proline at codon 423 is replaced by serine, an amino acid with similar properties. This amino acid position is conserved. In addition, the in silico prediction for this alteration is inconclusive. Since supporting evidence is limited at this time, the clinical significance of this alteration remains unclear.